The following is an entry in ClinVar:

NM_001244008.2(KIF1A):c.1768+4T>C

Gene: KIF1A (kinesin family member 1A; minus strand). Cytogenetic location: 2q37.3.
Variant type: single nucleotide variant.
Coding change: c.1768+4T>C on transcript NM_001244008.2 (MANE Select); 4 bases into the intron after coding-DNA position 1768, T replaced by C.
Molecular consequence: intron variant.
Genome position (GRCh38, 1-based): chr2:240,765,706, A>G on the plus strand (T>C on the coding strand, the complement: KIF1A is on the minus strand). VCF-style: chr2-240765706-A-G. GRCh37 (hg19) VCF-style: chr2-241705123-A-G.
Other names: c.1741+4T>C (NM_001379653.1, NM_001379650.1, NM_001379645.1 and 10 more transcripts); c.1843+4T>C (NM_001379635.1, NM_001330290.2, NM_001379646.1 and 2 more transcripts); c.1816+4T>C (NM_001379637.1, NM_001379648.1); c.1768+4T>C (NM_001320705.2, NM_001379638.1, NM_001330289.2).
Identifiers: ClinVar variation 994637 (VCV000994637.7), dbSNP rs780489790, ClinGen allele CA2208288.

ClinVar aggregate classification (germline): Uncertain significance. Review status: criteria provided, multiple submitters, no conflicts (2 of 4 stars). 2 submissions from 2 submitters: Uncertain significance (2). Last evaluated 2026-01-21.

Conditions:
Neuropathy, hereditary sensory, type 2C. Also called: Hereditary sensory and autonomic neuropathy type IIC; KIF1A-Related HSAN2 (HSAN2C). Identifiers: Orphanet 970, MedGen C3280168, MONDO:0013634, OMIM 614213.
Intellectual disability, autosomal dominant 9 (NESCAVS). Also called: KIF1A-Related Neurodevelopmental Disorder; NESCAV SYNDROME. Identifiers: Orphanet 662367, MedGen C5393830, MONDO:0013656, OMIM 614255.
Hereditary spastic paraplegia 30. Identifiers: Orphanet 101010, MedGen C5235139, MONDO:0012476.

Allele frequency attached by ClinVar (database versions not stated): ExAC 0.00001; gnomAD exomes 0.00001 and below 0.00001; TOPMed 0.00002.
gnomAD v4.1: 4 of 1,612,010 alleles (0.00025%); highest among the groups gnomAD compares: Admixed American, 0.0067%; no homozygotes.

Submissions (2):

Labcorp Genetics (formerly Invitae), Labcorp
Classification: Uncertain significance for Hereditary spastic paraplegia 30; Neuropathy, hereditary sensory, type 2C; Intellectual disability, autosomal dominant 9. Last evaluated: 2026-01-21. Review status: criteria provided, single submitter. Criteria: Invitae Variant Classification Sherloc (09022015). Collection method: clinical testing. Allele origin: germline.
Comment: This sequence change falls in intron 18 of the KIF1A gene. It does not directly change the encoded amino acid sequence of the KIF1A protein. It affects a nucleotide within the consensus splice site. This variant is present in population databases (rs780489790, gnomAD 0.003%). This variant has not been reported in the literature in individuals affected with KIF1A-related conditions. ClinVar contains an entry for this variant (Variation ID: 994637). Variants that disrupt the consensus splice site are a relatively common cause of aberrant splicing (PMID: 17576681, 9536098). Algorithms developed to predict the effect of sequence changes on RNA splicing suggest that this variant is not likely to affect RNA splicing. In summary, the available evidence is currently insufficient to determine the role of this variant in disease. Therefore, it has been classified as a Variant of Uncertain Significance.

Athena Diagnostics
Classification: Uncertain significance. Last evaluated: 2020-07-14. Review status: criteria provided, single submitter. Criteria: Athena Diagnostics Criteria. Collection method: clinical testing. Allele origin: unknown.

Literature cited by the submitters: PubMed 17576681 (cited by Labcorp Genetics (formerly Invitae), Labcorp); PubMed 9536098 (cited by Labcorp Genetics (formerly Invitae), Labcorp).